The following is an entry in ClinVar:

ClinVar aggregate classification (germline): Uncertain significance (1 of 4 stars; one submission).

Submission:

Labcorp Genetics (formerly Invitae), Labcorp
Classification: Uncertain significance. Last evaluated: 2021-12-02. Review status: criteria provided, single submitter. Criteria: Invitae Variant Classification Sherloc (09022015). Collection method: clinical testing. Allele origin: germline.
Comment: Experimental studies and prediction algorithms are not available or were not evaluated, and the functional significance of this variant is currently unknown. This variant has not been reported in the literature in individuals affected with NDUFAF4-related conditions. This variant is a gross deletion of the genomic region encompassing exon(s) 3 of the NDUFAF4 gene, which includes the termination codon. This deletion extends beyond the assayed region for this gene and therefore may encompass additional genes. While this deletion is not anticipated to lead to nonsense mediated decay, it is expected to alter mRNA translation or result in a truncated protein product. In summary, the available evidence is currently insufficient to determine the role of this variant in disease. Therefore, it has been classified as a Variant of Uncertain Significance.

NC_000006.11:g.(?_97338980)_(97339287_?)del

Gene: NDUFAF4 (NADH:ubiquinone oxidoreductase complex assembly factor 4; minus strand). Cytogenetic location: 6q16.1.
Variant type: Deletion.
Identifiers: ClinVar variation 1411792 (VCV001411792.7).